The following is an entry in ClinVar:

ClinVar aggregate classification (germline): Uncertain significance (1 of 4 stars; one submission).

Submission:

Labcorp Genetics (formerly Invitae), Labcorp
Classification: Uncertain significance. Last evaluated: 2025-05-26. Review status: criteria provided, single submitter. Criteria: Invitae Variant Classification Sherloc (09022015). Collection method: clinical testing. Allele origin: germline.
Comment: This sequence change replaces histidine, which is basic and polar, with leucine, which is neutral and non-polar, at codon 138 of the RAD51 protein (p.His138Leu). This variant is not present in population databases (gnomAD no frequency). This variant has not been reported in the literature in individuals affected with RAD51-related conditions. Invitae Evidence Modeling of protein sequence and biophysical properties (such as structural, functional, and spatial information, amino acid conservation, physicochemical variation, residue mobility, and thermodynamic stability) has been performed for this missense variant. However, the output from this modeling did not meet the statistical confidence thresholds required to predict the impact of this variant on RAD51 protein function. In summary, the available evidence is currently insufficient to determine the role of this variant in disease. Therefore, it has been classified as a Variant of Uncertain Significance.

NM_002875.5(RAD51):c.413A>T (p.His138Leu)

Gene: RAD51 (RAD51 recombinase; plus strand). Cytogenetic location: 15q15.1.
Variant type: single nucleotide variant.
Coding change: c.413A>T on transcript NM_002875.5 (MANE Select); coding-DNA position 413, A replaced by T.
Protein change: p.His138Leu; replaces histidine 138 with leucine.
Molecular consequence: missense variant.
Genome position (GRCh38, 1-based): chr15:40,709,094, A>T. VCF-style: chr15-40709094-A-T. GRCh37 (hg19) VCF-style: chr15-41001292-A-T.
Other names: c.416A>T, p.His139Leu (NM_001164269.2, NM_133487.4); c.413A>T, p.His138Leu (NM_001164270.2); short protein forms H138L, H139L.
Identifiers: ClinVar variation 4803477 (VCV004803477.1).